The following is an entry in ClinVar:

NM_005199.5(CHRNG):c.1250-2del

Genes: CHRNG (cholinergic receptor nicotinic gamma subunit; plus strand), TIGD1 (tigger transposable element derived 1; minus strand). Cytogenetic location: 2q37.1.
Variant type: Deletion.
Coding change: c.1250-2del on transcript NM_005199.5 (MANE Select); the canonical splice acceptor site of the intron before coding-DNA position 1250, one base deleted (A; older notation c.1250-2delA).
Molecular consequence: splice acceptor variant. On other transcripts: 3 prime UTR variant (1).
Genome position (GRCh38, 1-based): chr2:232,544,770, A deleted. VCF-style (leftmost placement, unchanged base first): chr2-232544769-CA-C. GRCh37 (hg19) VCF-style: chr2-233409479-CA-C.
Other names: c.*3337del (NM_145702.4).
Identifiers: ClinVar variation 2763535 (VCV002763535.3), dbSNP rs763847392, ClinGen allele CA2169008.

ClinVar aggregate classification (germline): Likely pathogenic (1 of 4 stars; one submission).

Allele frequency attached by ClinVar (database versions not stated): gnomAD exomes below 0.00001; ExAC 0.00001.

Submission:

Labcorp Genetics (formerly Invitae), Labcorp
Classification: Likely pathogenic. Last evaluated: 2023-09-26. Review status: criteria provided, single submitter. Criteria: Invitae Variant Classification Sherloc (09022015). Collection method: clinical testing. Allele origin: germline.
Comment: This variant has not been reported in the literature in individuals affected with CHRNG-related conditions. This variant is present in population databases (rs763847392, gnomAD 0.007%). This sequence change affects a splice site in intron 10 of the CHRNG gene. It is expected to disrupt RNA splicing. Variants that disrupt the donor or acceptor splice site typically lead to a loss of protein function (PMID: 16199547), and loss-of-function variants in CHRNG are known to be pathogenic (PMID: 16826520). Algorithms developed to predict the effect of sequence changes on RNA splicing suggest that this variant may disrupt the consensus splice site. In summary, the currently available evidence indicates that the variant is pathogenic, but additional data are needed to prove that conclusively. Therefore, this variant has been classified as Likely Pathogenic.

Literature cited by the submitters: PubMed 16199547; PubMed 16826520.